The following is an entry in ClinVar:

NM_021620.4(PRDM13):c.782T>G (p.Met261Arg)

Gene: PRDM13 (PR/SET domain 13; plus strand). Cytogenetic location: 6q16.2.
Variant type: single nucleotide variant.
Coding change: c.782T>G on transcript NM_021620.4 (MANE Select); coding-DNA position 782, T replaced by G.
Protein change: p.Met261Arg; replaces methionine 261 with arginine.
Molecular consequence: missense variant.
Genome position (GRCh38, 1-based): chr6:99,613,417, T>G. VCF-style: chr6-99613417-T-G. GRCh37 (hg19) VCF-style: chr6-100061293-T-G.
Other names: short protein forms M261R.
Identifiers: ClinVar variation 4694591 (VCV004694591.1).

ClinVar aggregate classification (germline): Uncertain significance (1 of 4 stars; one submission).

Submission:

Labcorp Genetics (formerly Invitae), Labcorp
Classification: Uncertain significance. Last evaluated: 2025-08-22. Review status: criteria provided, single submitter. Criteria: Invitae Variant Classification Sherloc (09022015). Collection method: clinical testing. Allele origin: germline.
Comment: This sequence change replaces methionine, which is neutral and non-polar, with arginine, which is basic and polar, at codon 261 of the PRDM13 protein (p.Met261Arg). This variant is not present in population databases (gnomAD no frequency). This variant has not been reported in the literature in individuals affected with PRDM13-related conditions. An algorithm developed to predict the effect of missense changes on protein structure and function (PolyPhen-2) suggests that this variant is likely to be tolerated. In summary, the available evidence is currently insufficient to determine the role of this variant in disease. Therefore, it has been classified as a Variant of Uncertain Significance.